The following is an entry in ClinVar:

NM_007357.3(COG2):c.151C>T (p.Leu51Phe)

Gene: COG2 (component of oligomeric golgi complex 2; plus strand). Cytogenetic location: 1q42.2.
Variant type: single nucleotide variant.
Coding change: c.151C>T on transcript NM_007357.3 (MANE Select); coding-DNA position 151, C replaced by T.
Protein change: p.Leu51Phe; replaces leucine 51 with phenylalanine.
Molecular consequence: missense variant.
Genome position (GRCh38, 1-based): chr1:230,659,542, C>T. VCF-style: chr1-230659542-C-T. GRCh37 (hg19) VCF-style: chr1-230795288-C-T.
Other names: c.151C>T, p.Leu51Phe (NM_001145036.2); short protein forms L51F.
Identifiers: ClinVar variation 1470130 (VCV001470130.6), dbSNP rs2102749359, ClinGen allele CA345200337.

ClinVar aggregate classification (germline): Uncertain significance (1 of 4 stars; one submission).

Conditions:
Congenital disorder of glycosylation, type IIq. Also called: CDG IIq. Identifiers: Orphanet 435934, MedGen C4479353, MONDO:0054559, OMIM 617395.

Submission:

Labcorp Genetics (formerly Invitae), Labcorp
Classification: Uncertain significance for Congenital disorder of glycosylation, type IIq. Last evaluated: 2025-04-17. Review status: criteria provided, single submitter. Criteria: Invitae Variant Classification Sherloc (09022015). Collection method: clinical testing. Allele origin: germline.
Comment: This sequence change replaces leucine, which is neutral and non-polar, with phenylalanine, which is neutral and non-polar, at codon 51 of the COG2 protein (p.Leu51Phe). This variant is not present in population databases (gnomAD no frequency). This variant has not been reported in the literature in individuals affected with COG2-related conditions. ClinVar contains an entry for this variant (Variation ID: 1470130). Invitae Evidence Modeling of protein sequence and biophysical properties (such as structural, functional, and spatial information, amino acid conservation, physicochemical variation, residue mobility, and thermodynamic stability) indicates that this missense variant is expected to disrupt COG2 protein function with a positive predictive value of 80%. In summary, the available evidence is currently insufficient to determine the role of this variant in disease. Therefore, it has been classified as a Variant of Uncertain Significance.